The following is an entry in ClinVar:

NM_000152.5(GAA):c.858+24G>C

Gene: GAA (alpha glucosidase; plus strand). Cytogenetic location: 17q25.3.
Variant type: single nucleotide variant.
Coding change: c.858+24G>C on transcript NM_000152.5 (MANE Select); 24 bases into the intron after coding-DNA position 858, G replaced by C.
Molecular consequence: intron variant.
Genome position (GRCh38, 1-based): chr17:80,107,746, G>C. VCF-style: chr17-80107746-G-C. GRCh37 (hg19) VCF-style: chr17-78081545-G-C.
Other names: c.858+24G>C (NM_001079803.3, NM_001079804.3).
Identifiers: ClinVar variation 637960 (VCV000637960.3), dbSNP rs770608668, ClinGen allele CA8815054.

ClinVar aggregate classification (germline): Uncertain significance. Review status: criteria provided, single submitter (1 of 4 stars). 2 submissions from 2 submitters: Uncertain significance (1). 1 of the submissions does not count toward it. Last evaluated 2026-07-01.

Conditions:
Glycogen storage disease, type II (IOPD). Also called: Pompe Disease; CARDIOMEGALIA GLYCOGENICA DIFFUSA; GLYCOGENOSIS, GENERALIZED, CARDIAC FORM; GSD II; POMPE DISEASE, INFANTILE-ONSET; GLYCOGEN STORAGE DISEASE II, INFANTILE-ONSET. Identifiers: Orphanet 365, MedGen C0017921, MONDO:0009290, OMIM 232300.

Allele frequency attached by ClinVar (database versions not stated): ExAC below 0.00001; gnomAD exomes 0.00006.

Submissions (2):

Genomenon, Inc
Classification: Uncertain significance for Glycogen storage disease, type II. Last evaluated: 2026-07-01. Review status: criteria provided, single submitter. Criteria: Genomenon Sequence Variant Interpretation Standards - Updated. Collection method: curation. Allele origin: germline. Affected: no.
Comment: GAA c.858+24G>C is an intronic variant located in intron 4. This variant has been reported in the published literature (PMID:31510962). It is absent or not present at a significant frequency in gnomAD. In conclusion, we classify GAA c.858+24G>C as a variant of uncertain significance.

Department of Pediatrics, Division of Medical Genetics, Faculty of Medicine Ramathibodi Hospital, Mahidol University
Classification: Benign for Glycogen storage disease, type II. Last evaluated: 2019-07-10. Review status: no assertion criteria provided. Collection method: clinical testing. Allele origin: germline. Inheritance: Autosomal recessive inheritance. Affected: no. Observed: 1 heterozygote. Not counted in ClinVar's aggregate classification.
Comment: This variant is considered benign based on prediction by multiple in silico algorithms (SIFT, Polyphen-2, PredictSNP2, CADD, DANN, FATHMM, and FunSeq2).

Literature cited by the submitters: PubMed 31510962 (cited by Genomenon, Inc and Department of Pediatrics, Division of Medical Genetics, Faculty of Medicine Ramathibodi Hospital, Mahidol University).